The following is an entry in ClinVar:

NM_003024.3(ITSN1):c.816A>G (p.Gly272=)

Gene: ITSN1 (intersectin 1; plus strand). Cytogenetic location: 21q22.11.
Variant type: single nucleotide variant.
Coding change: c.816A>G on transcript NM_003024.3 (MANE Select); coding-DNA position 816, A replaced by G.
Protein change: p.Gly272=; no amino-acid change (glycine 272 retained).
Molecular consequence: synonymous variant.
Genome position (GRCh38, 1-based): chr21:33,765,902, A>G. VCF-style: chr21-33765902-A-G. GRCh37 (hg19) VCF-style: chr21-35138206-A-G.
Other names: c.816A>G, p.Gly272= (NM_001001132.2, NM_001331008.2, NM_001331009.2 and 2 more transcripts); c.705A>G, p.Gly235= (NM_001331012.2).
Identifiers: ClinVar variation 3025504 (VCV003025504.22), dbSNP rs201087456, ClinGen allele CA10011433.

ClinVar aggregate classification (germline): Likely benign (1 of 4 stars; one submission).

Allele frequency attached by ClinVar (database versions not stated): ESP Exome Variant Server 0.00008; gnomAD 0.00011; ExAC 0.00012; TOPMed 0.00012; gnomAD exomes 0.00014.
gnomAD v4.1: 230 of 1,614,032 alleles (0.014%); highest among the groups gnomAD compares: Non-Finnish European, 0.019%; no homozygotes.

Submission:

CeGaT Center for Human Genetics Tuebingen
Classification: Likely benign. Last evaluated: 2026-07-01. Review status: criteria provided, single submitter. Criteria: CeGaT Center For Human Genetics Tuebingen Variant Classification Criteria Version 2. Collection method: clinical testing. Allele origin: germline. Affected: yes. Observed: 4 variant alleles.
Comment: ITSN1: BP4, BP7